The following is an entry in ClinVar:

ClinVar aggregate classification (germline): Uncertain significance. Review status: criteria provided, multiple submitters, no conflicts (2 of 4 stars). 3 submissions from 3 submitters: Uncertain significance (3). Last evaluated 2025-11-24.

Conditions:
Cardiovascular phenotype. Identifiers: MedGen CN230736.
Myofibrillar myopathy 5. Also called: Filaminopathy (type); FILAMINOPATHY, AUTOSOMAL DOMINANT. Identifiers: Orphanet 171445, MedGen C1836050, MONDO:0012289, OMIM 609524.
Hypertrophic cardiomyopathy 26. Also called: Cardiomyopathy, familial hypertrophic, 26. Identifiers: Orphanet 75249, MedGen C4310749, MONDO:0014883, OMIM 617047.
Distal myopathy with posterior leg and anterior hand involvement. Also called: WILLIAMS DISTAL MYOPATHY. Identifiers: Orphanet 63273, MedGen C3279722, MONDO:0013550, OMIM 614065.

gnomAD v4.1: 1 of 1,613,234 alleles (0.000062%); highest among the groups gnomAD compares: South Asian, 0.0011%; no homozygotes.

Submissions (3):

Women's Health and Genetics/Laboratory Corporation of America, LabCorp
Classification: Uncertain significance. Last evaluated: 2025-11-24. Review status: criteria provided, single submitter. Criteria: LabCorp Variant Classification Summary - May 2015. Collection method: clinical testing. Allele origin: germline.

Ambry Genetics
Classification: Uncertain significance for Cardiovascular phenotype. Last evaluated: 2024-10-08. Review status: criteria provided, single submitter. Criteria: Ambry Variant Classification Scheme 2023. Collection method: clinical testing. Allele origin: germline.
Comment: The p.T2177I variant (also known as c.6530C>T), located in coding exon 40 of the FLNC gene, results from a C to T substitution at nucleotide position 6530. The threonine at codon 2177 is replaced by isoleucine, an amino acid with similar properties. This amino acid position is conserved. In addition, this alteration is predicted to be deleterious by in silico analysis. Based on the available evidence, the clinical significance of this variant remains unclear.

Labcorp Genetics (formerly Invitae), Labcorp
Classification: Uncertain significance for Distal myopathy with posterior leg and anterior hand involvement; Myofibrillar myopathy 5; Hypertrophic cardiomyopathy 26. Last evaluated: 2024-08-22. Review status: criteria provided, single submitter. Criteria: Invitae Variant Classification Sherloc (09022015). Collection method: clinical testing. Allele origin: germline.
Comment: This sequence change replaces threonine, which is neutral and polar, with isoleucine, which is neutral and non-polar, at codon 2177 of the FLNC protein (p.Thr2177Ile). The frequency data for this variant in the population databases is considered unreliable, as metrics indicate poor data quality at this position in the gnomAD database. This variant has not been reported in the literature in individuals affected with FLNC-related conditions. An algorithm developed to predict the effect of missense changes on protein structure and function (PolyPhen-2) suggests that this variant is likely to be tolerated. In summary, the available evidence is currently insufficient to determine the role of this variant in disease. Therefore, it has been classified as a Variant of Uncertain Significance.

NM_001458.5(FLNC):c.6530C>T (p.Thr2177Ile)

Genes: FLNC (filamin C; plus strand), FLNC-AS1 (FLNC antisense RNA 1; minus strand). Cytogenetic location: 7q32.1.
Variant type: single nucleotide variant.
Coding change: c.6530C>T on transcript NM_001458.5 (MANE Select); coding-DNA position 6530, C replaced by T.
Protein change: p.Thr2177Ile; replaces threonine 2177 with isoleucine.
Molecular consequence: missense variant.
Genome position (GRCh38, 1-based): chr7:128,854,019, C>T. VCF-style: chr7-128854019-C-T. GRCh37 (hg19) VCF-style: chr7-128494073-C-T.
Other names: c.6431C>T, p.Thr2144Ile (NM_001127487.2); short protein forms T2144I, T2177I.
Identifiers: ClinVar variation 2924791 (VCV002924791.5), dbSNP rs756345989, ClinGen allele CA4476008.